The following is an entry in ClinVar:

NM_021942.6(TRAPPC11):c.1366+1G>A

Gene: TRAPPC11 (trafficking protein particle complex subunit 11; plus strand). Cytogenetic location: 4q35.1.
Variant type: single nucleotide variant.
Coding change: c.1366+1G>A on transcript NM_021942.6 (MANE Select); the canonical splice donor site of the intron after coding-DNA position 1366, G replaced by A.
Molecular consequence: splice donor variant.
Genome position (GRCh38, 1-based): chr4:183,684,224, G>A. VCF-style: chr4-183684224-G-A. GRCh37 (hg19) VCF-style: chr4-184605377-G-A.
Other names: c.1366+1G>A (NM_199053.3).
Identifiers: ClinVar variation 2103073 (VCV002103073.7), dbSNP rs1377315723, ClinGen allele CA358866709.

ClinVar aggregate classification (germline): Likely pathogenic. Review status: criteria provided, multiple submitters, no conflicts (2 of 4 stars). 2 submissions from 2 submitters: Likely pathogenic (2). Last evaluated 2022-03-10.

Conditions:
Autosomal recessive limb-girdle muscular dystrophy type R18 (LGMDR18). Also called: Limb-girdle muscular dystrophy, type 2S; MUSCULAR DYSTROPHY, LIMB-GIRDLE, AUTOSOMAL RECESSIVE 18; Autosomal recessive limb-girdle muscular dystrophy type 2S. Identifiers: Orphanet 369840, MedGen C4517996, MONDO:0014144, OMIM 615356.

Submissions (2):

Revvity Omics, Revvity
Classification: Likely pathogenic for Autosomal recessive limb-girdle muscular dystrophy type R18. Last evaluated: 2022-03-10. Review status: criteria provided, single submitter. Criteria: ACMG Guidelines, 2015. Collection method: clinical testing. Allele origin: germline.

Labcorp Genetics (formerly Invitae), Labcorp
Classification: Likely pathogenic for Autosomal recessive limb-girdle muscular dystrophy type R18. Last evaluated: 2022-02-24. Review status: criteria provided, single submitter. Criteria: Invitae Variant Classification Sherloc (09022015). Collection method: clinical testing. Allele origin: germline.
Comment: In summary, the currently available evidence indicates that the variant is pathogenic, but additional data are needed to prove that conclusively. Therefore, this variant has been classified as Likely Pathogenic. Algorithms developed to predict the effect of sequence changes on RNA splicing suggest that this variant may disrupt the consensus splice site. This variant has not been reported in the literature in individuals affected with TRAPPC11-related conditions. This variant is present in population databases (no rsID available, gnomAD 0.003%). This sequence change affects a donor splice site in intron 13 of the TRAPPC11 gene. It is expected to disrupt RNA splicing. Variants that disrupt the donor or acceptor splice site typically lead to a loss of protein function (PMID: 16199547), and loss-of-function variants in TRAPPC11 are known to be pathogenic (PMID: 23830518, 26322222).

Literature cited by the submitters: PubMed 16199547 (cited by Labcorp Genetics (formerly Invitae), Labcorp); PubMed 23830518 (cited by Labcorp Genetics (formerly Invitae), Labcorp); PubMed 26322222 (cited by Labcorp Genetics (formerly Invitae), Labcorp).